The following is an entry in ClinVar:

ClinVar aggregate classification (germline): Uncertain significance (1 of 4 stars; one submission).

Submission:

GeneDx
Classification: Uncertain significance. Last evaluated: 2024-12-04. Review status: criteria provided, single submitter. Criteria: GeneDx Variant Classification Process June 2021. Collection method: clinical testing. Allele origin: germline. Affected: yes.
Comment: Not observed at significant frequency in large population cohorts (gnomAD); In silico analysis indicates that this missense variant does not alter protein structure/function; Has not been previously published as pathogenic or benign to our knowledge

NM_006950.3(SYN1):c.1540G>A (p.Ala514Thr)

Gene: SYN1 (synapsin I; minus strand). Cytogenetic location: Xp11.3.
Variant type: single nucleotide variant.
Coding change: c.1540G>A on transcript NM_006950.3 (MANE Select); coding-DNA position 1540, G replaced by A.
Protein change: p.Ala514Thr; replaces alanine 514 with threonine.
Molecular consequence: missense variant.
Genome position (GRCh38, 1-based): chrX:47,574,444, C>T on the plus strand (G>A on the coding strand, the complement: SYN1 is on the minus strand). VCF-style: chrX-47574444-C-T. GRCh37 (hg19) VCF-style: chrX-47433843-C-T.
Other names: c.1540G>A, p.Ala514Thr (NM_133499.2); short protein forms A514T.
Identifiers: ClinVar variation 3901389 (VCV003901389.1).